The following is an entry in ClinVar:

ClinVar aggregate classification (germline): Likely benign. Review status: criteria provided, multiple submitters, no conflicts (2 of 4 stars). 3 submissions from 3 submitters: Likely benign (2). 1 of the submissions does not count toward it. Last evaluated 2026-06-01.

Conditions:
NCAPG2-related disorder. Also called: NCAPG2-related condition.

Allele frequency attached by ClinVar (database versions not stated): 1000 Genomes Project 0.00120; 1000 Genomes Project 30x 0.00156; TOPMed 0.00157; ExAC 0.00162; gnomAD 0.00164; ESP Exome Variant Server 0.00252; gnomAD exomes 0.00255.
gnomAD v4.1: 3,941 of 1,599,408 alleles (0.25%); highest among the groups gnomAD compares: Non-Finnish European, 0.29%; 13 homozygotes.

Submissions (3):

CeGaT Center for Human Genetics Tuebingen
Classification: Likely benign. Last evaluated: 2026-06-01. Review status: criteria provided, single submitter. Criteria: CeGaT Center For Human Genetics Tuebingen Variant Classification Criteria Version 2. Collection method: clinical testing. Allele origin: germline. Affected: yes. Observed: 8 variant alleles.
Comment: NCAPG2: BP4, BP7, BS2

Blueprint Genetics
Classification: Likely benign. Last evaluated: 2024-11-12. Review status: criteria provided, single submitter. Criteria: ACMG Guidelines, 2015. Collection method: clinical testing. Allele origin: germline.

PreventionGenetics, part of Exact Sciences
Classification: Likely benign for NCAPG2-related condition. Last evaluated: 2019-08-08. Review status: no assertion criteria provided. Collection method: clinical testing. Allele origin: germline. Not counted in ClinVar's aggregate classification.
Comment: This variant is classified as likely benign based on ACMG/AMP sequence variant interpretation guidelines (Richards et al. 2015 PMID: 25741868, with internal and published modifications).

NM_017760.7(NCAPG2):c.3168G>A (p.Ser1056=)

Gene: NCAPG2 (non-SMC condensin II complex subunit G2; minus strand). Cytogenetic location: 7q36.3.
Variant type: single nucleotide variant.
Coding change: c.3168G>A on transcript NM_017760.7 (MANE Select); coding-DNA position 3168, G replaced by A.
Protein change: p.Ser1056=; no amino-acid change (serine 1056 retained).
Molecular consequence: synonymous variant. On other transcripts: non-coding transcript variant (1).
Genome position (GRCh38, 1-based): chr7:158,646,471, C>T on the plus strand (G>A on the coding strand, the complement: NCAPG2 is on the minus strand). VCF-style: chr7-158646471-C-T. GRCh37 (hg19) VCF-style: chr7-158439163-C-T.
Other names: c.3168G>A, p.Ser1056= (NM_001281932.2, NM_001281933.2); c.3168G>A (NM_001281933.1).
Identifiers: ClinVar variation 3024927 (VCV003024927.24), dbSNP rs192363025, ClinGen allele CA4592363.